The following is an entry in ClinVar:

ClinVar aggregate classification (germline): Uncertain significance (1 of 4 stars; one submission).

gnomAD v4.1: 6 of 1,608,914 alleles (0.00037%); highest among the groups gnomAD compares: Admixed American, 0.0083%; no homozygotes.

Submission:

Labcorp Genetics (formerly Invitae), Labcorp
Classification: Uncertain significance. Last evaluated: 2024-10-02. Review status: criteria provided, single submitter. Criteria: Invitae Variant Classification Sherloc (09022015). Collection method: clinical testing. Allele origin: germline.
Comment: This sequence change replaces proline, which is neutral and non-polar, with leucine, which is neutral and non-polar, at codon 429 of the GUCY2C protein (p.Pro429Leu). This variant is present in population databases (rs748643369, gnomAD 0.01%). This variant has not been reported in the literature in individuals affected with GUCY2C-related conditions. Invitae Evidence Modeling of protein sequence and biophysical properties (such as structural, functional, and spatial information, amino acid conservation, physicochemical variation, residue mobility, and thermodynamic stability) indicates that this missense variant is not expected to disrupt GUCY2C protein function with a negative predictive value of 80%. In summary, the available evidence is currently insufficient to determine the role of this variant in disease. Therefore, it has been classified as a Variant of Uncertain Significance.

NM_004963.4(GUCY2C):c.1286C>T (p.Pro429Leu)

Gene: GUCY2C (guanylate cyclase 2C; minus strand). Cytogenetic location: 12p12.3.
Variant type: single nucleotide variant.
Coding change: c.1286C>T on transcript NM_004963.4 (MANE Select); coding-DNA position 1286, C replaced by T.
Protein change: p.Pro429Leu; replaces proline 429 with leucine.
Molecular consequence: missense variant.
Genome position (GRCh38, 1-based): chr12:14,661,059, G>A on the plus strand (C>T on the coding strand, the complement: GUCY2C is on the minus strand). VCF-style: chr12-14661059-G-A. GRCh37 (hg19) VCF-style: chr12-14813993-G-A.
Other names: short protein forms P429L.
Identifiers: ClinVar variation 3612746 (VCV003612746.2).